The following is an entry in ClinVar:

NM_024572.4(GALNT14):c.1382T>A (p.Val461Glu)

Gene: GALNT14 (polypeptide N-acetylgalactosaminyltransferase 14; minus strand). Cytogenetic location: 2p23.1.
Variant type: single nucleotide variant.
Coding change: c.1382T>A on transcript NM_024572.4 (MANE Select); coding-DNA position 1382, T replaced by A.
Protein change: p.Val461Glu; replaces valine 461 with glutamic acid.
Molecular consequence: missense variant.
Genome position (GRCh38, 1-based): chr2:30,912,341, A>T on the plus strand (T>A on the coding strand, the complement: GALNT14 is on the minus strand). VCF-style: chr2-30912341-A-T. GRCh37 (hg19) VCF-style: chr2-31135207-A-T.
Other names: c.1397T>A, p.Val466Glu (NM_001253826.2); c.1322T>A, p.Val441Glu (NM_001253827.2, NM_001329096.2); c.1277T>A, p.Val426Glu (NM_001329095.2); c.1153T>A, p.Tyr385Asn (NM_001329097.2); short protein forms V426E, V441E, V461E, V466E, Y385N.
Identifiers: ClinVar variation 3344653 (VCV003344653.1).

ClinVar aggregate classification (germline): Uncertain significance (0 of 4 stars; one submission).

Conditions:
GALNT14-related disorder. Also called: GALNT14-related condition.

gnomAD v4.1: 1 of 1,613,832 alleles (0.000062%); highest among the groups gnomAD compares: South Asian, 0.0011%; no homozygotes.

Submission:

PreventionGenetics, part of Exact Sciences
Classification: Uncertain significance for GALNT14-related condition. Last evaluated: 2024-06-19. Review status: no assertion criteria provided. Collection method: clinical testing. Allele origin: germline.
Comment: The GALNT14 c.1397T>A variant is predicted to result in the amino acid substitution p.Val466Glu. To our knowledge, this variant has not been reported in the literature or in a large population database, indicating this variant is rare. At this time, the clinical significance of this variant is uncertain due to the absence of conclusive functional and genetic evidence.